The following is an entry in ClinVar:

ClinVar aggregate classification (germline): Pathogenic (1 of 4 stars; one submission).

Conditions:
Nephronophthisis. Also called: Juvenile Nephronophthisis. Identifiers: Orphanet 655, MedGen C0687120, MONDO:0019005, HP:0000090.

Submission:

Labcorp Genetics (formerly Invitae), Labcorp
Classification: Pathogenic for Nephronophthisis. Last evaluated: 2024-01-09. Review status: criteria provided, single submitter. Criteria: Invitae Variant Classification Sherloc (09022015). Collection method: clinical testing. Allele origin: germline.
Comment: This sequence change creates a premature translational stop signal (p.Glu58*) in the NPHP1 gene. It is expected to result in an absent or disrupted protein product. Loss-of-function variants in NPHP1 are known to be pathogenic (PMID: 23559409). This variant is not present in population databases (gnomAD no frequency). This variant has not been reported in the literature in individuals affected with NPHP1-related conditions. Algorithms developed to predict the effect of sequence changes on RNA splicing suggest that this variant may disrupt the consensus splice site. For these reasons, this variant has been classified as Pathogenic.

Literature cited by the submitters: PubMed 23559409.

NM_001128178.3(NPHP1):c.172G>T (p.Glu58Ter)

Gene: NPHP1 (nephrocystin 1; minus strand). Cytogenetic location: 2q13.
Variant type: single nucleotide variant.
Coding change: c.172G>T on transcript NM_001128178.3 (MANE Select); coding-DNA position 172, G replaced by T.
Protein change: p.Glu58Ter; replaces glutamic acid 58 with a stop codon.
Molecular consequence: nonsense. On other transcripts: intron variant (1).
Genome position (GRCh38, 1-based): chr2:110,179,656, C>A on the plus strand (G>T on the coding strand, the complement: NPHP1 is on the minus strand). VCF-style: chr2-110179656-C-A. GRCh37 (hg19) VCF-style: chr2-110937233-C-A.
Other names: c.172G>T, p.Glu58Ter (NM_000272.5, NM_001374256.1, NM_001374257.1 and 1 more transcripts); c.144-9658G>T (NM_001128179.3); short protein forms E58*.
Identifiers: ClinVar variation 2708528 (VCV002708528.3), dbSNP rs558873032, ClinGen allele CA348093679.